The following is an entry in ClinVar:

NM_004972.4(JAK2):c.1687G>A (p.Val563Ile)

Genes: INSL6 (insulin like 6; minus strand), JAK2 (Janus kinase 2; plus strand). Cytogenetic location: 9p24.1.
Variant type: single nucleotide variant.
Coding change: c.1687G>A on transcript NM_004972.4 (MANE Select); coding-DNA position 1687, G replaced by A.
Protein change: p.Val563Ile; replaces valine 563 with isoleucine.
Molecular consequence: missense variant. On other transcripts: non-coding transcript variant (2).
Genome position (GRCh38, 1-based): chr9:5,072,537, G>A. VCF-style: chr9-5072537-G-A. GRCh37 (hg19) VCF-style: chr9-5072537-G-A.
Other names: c.1687G>A, p.Val563Ile (NM_001322194.2, NM_001322195.2, NM_001322196.2); c.472G>A, p.Val158Ile (NM_001322198.2, NM_001322199.2); c.1240G>A, p.Val414Ile (NM_001322204.2); short protein forms V563I, V158I, V414I.
Identifiers: ClinVar variation 3719498 (VCV003719498.2).

ClinVar aggregate classification (germline): Uncertain significance (1 of 4 stars; one submission).

gnomAD v4.1: 8 of 1,606,132 alleles (0.0005%); highest among the groups gnomAD compares: East Asian, 0.0045%; no homozygotes.

Submission:

Labcorp Genetics (formerly Invitae), Labcorp
Classification: Uncertain significance. Last evaluated: 2024-08-20. Review status: criteria provided, single submitter. Criteria: Invitae Variant Classification Sherloc (09022015). Collection method: clinical testing. Allele origin: germline.
Comment: This sequence change replaces valine, which is neutral and non-polar, with isoleucine, which is neutral and non-polar, at codon 563 of the JAK2 protein (p.Val563Ile). This variant is not present in population databases (gnomAD no frequency). This variant has not been reported in the literature in individuals affected with JAK2-related conditions. Invitae Evidence Modeling of protein sequence and biophysical properties (such as structural, functional, and spatial information, amino acid conservation, physicochemical variation, residue mobility, and thermodynamic stability) indicates that this missense variant is not expected to disrupt JAK2 protein function with a negative predictive value of 80%. In summary, the available evidence is currently insufficient to determine the role of this variant in disease. Therefore, it has been classified as a Variant of Uncertain Significance.